The following is an entry in ClinVar:

ClinVar aggregate classification (germline): Likely pathogenic (1 of 4 stars; one submission).

Conditions:
Deficiency of 2-methylbutyryl-CoA dehydrogenase (ACADSB). Also called: 2-methylbutyrylglycinuria; 2-methylbutyryl-CoA dehydrogenase deficiency; SBCAD deficiency; 2-methylbutyric aciduria; Short branched-chain acyl-CoA dehydrogenase deficiency. Identifiers: Orphanet 79157, MedGen C1864912, MONDO:0012392, OMIM 610006, HP:0020147.

gnomAD v4.1: 15 of 1,558,286 alleles (0.00096%); highest among the groups gnomAD compares: South Asian, 0.011%; no homozygotes.

Submission:

Labcorp Genetics (formerly Invitae), Labcorp
Classification: Likely pathogenic for Deficiency of 2-methylbutyryl-CoA dehydrogenase. Last evaluated: 2026-01-22. Review status: criteria provided, single submitter. Criteria: Invitae Variant Classification Sherloc (09022015). Collection method: clinical testing. Allele origin: germline.
Comment: This sequence change affects a donor splice site in intron 8 of the ACADSB gene. It is expected to disrupt RNA splicing. Variants that disrupt the donor or acceptor splice site typically lead to a loss of protein function (PMID: 16199547), and loss-of-function variants in ACADSB are known to be pathogenic (PMID: 20547083, 26284228). This variant is present in population databases (rs760780506, gnomAD 0.006%). This variant has not been reported in the literature in individuals affected with ACADSB-related conditions. Algorithms developed to predict the effect of sequence changes on RNA splicing suggest that this variant may disrupt the consensus splice site. In summary, the currently available evidence indicates that the variant is pathogenic, but additional data are needed to prove that conclusively. Therefore, this variant has been classified as Likely Pathogenic.

Literature cited by the submitters: PubMed 16199547; PubMed 20547083; PubMed 26284228.

NM_001609.4(ACADSB):c.990+1G>A

Gene: ACADSB (acyl-CoA dehydrogenase short/branched chain; plus strand). Cytogenetic location: 10q26.13.
Variant type: single nucleotide variant.
Coding change: c.990+1G>A on transcript NM_001609.4 (MANE Select); the canonical splice donor site of the intron after coding-DNA position 990, G replaced by A.
Molecular consequence: splice donor variant.
Genome position (GRCh38, 1-based): chr10:123,047,299, G>A. VCF-style: chr10-123047299-G-A. GRCh37 (hg19) VCF-style: chr10-124806815-G-A.
Other names: c.684+1G>A (NM_001330174.3).
Identifiers: ClinVar variation 4705738 (VCV004705738.1).